The following is an entry in ClinVar:

ClinVar aggregate classification (germline): Uncertain significance (1 of 4 stars; one submission).

Allele frequency attached by ClinVar (database versions not stated): gnomAD 0.00001; gnomAD exomes 0.00001 and 0.00003; TOPMed 0.00001.
gnomAD v4.1: 45 of 1,508,140 alleles (0.003%); highest among the groups gnomAD compares: African/African-American, 0.0058%; no homozygotes.

Submission:

Labcorp Genetics (formerly Invitae), Labcorp
Classification: Uncertain significance. Last evaluated: 2022-03-02. Review status: criteria provided, single submitter. Criteria: Invitae Variant Classification Sherloc (09022015). Collection method: clinical testing. Allele origin: germline.
Comment: In summary, the available evidence is currently insufficient to determine the role of this variant in disease. Therefore, it has been classified as a Variant of Uncertain Significance. Algorithms developed to predict the effect of missense changes on protein structure and function are either unavailable or do not agree on the potential impact of this missense change (SIFT: "Deleterious"; PolyPhen-2: "Benign"; Align-GVGD: "Class C0"). This variant has not been reported in the literature in individuals affected with PRDM13-related conditions. The frequency data for this variant in the population databases is considered unreliable, as metrics indicate poor data quality at this position in the gnomAD database. This sequence change replaces glycine, which is neutral and non-polar, with aspartic acid, which is acidic and polar, at codon 388 of the PRDM13 protein (p.Gly388Asp).

NM_021620.4(PRDM13):c.1163G>A (p.Gly388Asp)

Genes: PRDM13 (PR/SET domain 13; plus strand), LOC129996881 (ATAC-STARR-seq lymphoblastoid silent region 17422; plus strand). Cytogenetic location: 6q16.2.
Variant type: single nucleotide variant.
Coding change: c.1163G>A on transcript NM_021620.4 (MANE Select); coding-DNA position 1163, G replaced by A.
Protein change: p.Gly388Asp; replaces glycine 388 with aspartic acid.
Molecular consequence: missense variant.
Genome position (GRCh38, 1-based): chr6:99,613,798, G>A. VCF-style: chr6-99613798-G-A. GRCh37 (hg19) VCF-style: chr6-100061674-G-A.
Other names: short protein forms G388D.
Identifiers: ClinVar variation 1498919 (VCV001498919.8), dbSNP rs1255012017, ClinGen allele CA365117840.